The following is an entry in ClinVar:

NM_001267550.2(TTN):c.18723C>A (p.Ser6241Arg)

Genes: TTN (titin; minus strand), LOC126806430 (BRD4-independent group 4 enhancer GRCh37_chr2:179593794-179594993; plus strand). Cytogenetic location: 2q31.2.
Variant type: single nucleotide variant.
Coding change: c.18723C>A on transcript NM_001267550.2 (MANE Select); coding-DNA position 18723, C replaced by A.
Protein change: p.Ser6241Arg; replaces serine 6241 with arginine.
Molecular consequence: missense variant. On other transcripts: intron variant (3).
Genome position (GRCh38, 1-based): chr2:178,729,433, G>T on the plus strand (C>A on the coding strand, the complement: TTN is on the minus strand). VCF-style: chr2-178729433-G-T. GRCh37 (hg19) VCF-style: chr2-179594160-G-T.
Other names: c.17772C>A, p.Ser5924Arg (NM_001256850.1); c.14991C>A, p.Ser4997Arg (NM_133378.4); c.13282+8649C>A (NM_003319.4); c.13858+8649C>A (NM_133437.4); c.13657+8649C>A (NM_133432.3); short protein forms S4997R, S5924R, S6241R.
Identifiers: ClinVar variation 3896457 (VCV003896457.2).

ClinVar aggregate classification (germline): Uncertain significance (1 of 4 stars; one submission).

gnomAD v4.1: 11 of 1,613,488 alleles (0.00068%); highest among the groups gnomAD compares: Non-Finnish European, 0.00093%; no homozygotes.

Submission:

Women's Health and Genetics/Laboratory Corporation of America, LabCorp
Classification: Uncertain significance. Last evaluated: 2025-04-07. Review status: criteria provided, single submitter. Criteria: LabCorp Variant Classification Summary - May 2015. Collection method: clinical testing. Allele origin: germline.
Comment: Variant summary: TTN c.14991C>A (p.Ser4997Arg) results in a non-conservative amino acid change in the encoded protein sequence. Two of three in-silico tools predict a damaging effect of the variant on protein function. The variant allele was found at a frequency of 4e-06 in 248244 control chromosomes. The available data on variant occurrences in the general population are insufficient to allow any conclusion about variant significance. To our knowledge, no occurrence of c.14991C>A in individuals affected with Dilated Cardiomyopathy and no experimental evidence demonstrating its impact on protein function have been reported. No submitters have cited clinical-significance assessments for this variant to ClinVar. Based on the evidence outlined above, the variant was classified as uncertain significance.